The following is an entry in ClinVar:

ClinVar aggregate classification (germline): Uncertain significance. Review status: criteria provided, multiple submitters, no conflicts (2 of 4 stars). 2 submissions from 2 submitters: Uncertain significance (2). Last evaluated 2025-01-31.

Conditions:
Inborn genetic diseases. Identifiers: MedGen C0950123, MeSH D030342.

Allele frequency attached by ClinVar (database versions not stated): gnomAD 0.00001; TOPMed 0.00002; gnomAD exomes 0.00003; ExAC 0.00007.
gnomAD v4.1: 17 of 1,612,412 alleles (0.0011%); highest among the groups gnomAD compares: Admixed American, 0.028%; no homozygotes.

Submissions (2):

Ambry Genetics
Classification: Uncertain significance for Inborn genetic diseases. Last evaluated: 2025-01-31. Review status: criteria provided, single submitter. Criteria: Ambry Variant Classification Scheme 2023. Collection method: clinical testing. Allele origin: germline.

Labcorp Genetics (formerly Invitae), Labcorp
Classification: Uncertain significance. Last evaluated: 2024-02-23. Review status: criteria provided, single submitter. Criteria: Invitae Variant Classification Sherloc (09022015). Collection method: clinical testing. Allele origin: germline.
Comment: This sequence change replaces serine, which is neutral and polar, with threonine, which is neutral and polar, at codon 1966 of the MYO18B protein (p.Ser1966Thr). This variant is present in population databases (rs749922568, gnomAD 0.03%). This variant has not been reported in the literature in individuals affected with MYO18B-related conditions. ClinVar contains an entry for this variant (Variation ID: 2080502). An algorithm developed to predict the effect of missense changes on protein structure and function (PolyPhen-2) suggests that this variant is likely to be disruptive. In summary, the available evidence is currently insufficient to determine the role of this variant in disease. Therefore, it has been classified as a Variant of Uncertain Significance.

NM_032608.7(MYO18B):c.5897G>C (p.Ser1966Thr)

Gene: MYO18B (myosin XVIIIB; plus strand). Cytogenetic location: 22q12.1.
Variant type: single nucleotide variant.
Coding change: c.5897G>C on transcript NM_032608.7 (MANE Select); coding-DNA position 5897, G replaced by C.
Protein change: p.Ser1966Thr; replaces serine 1966 with threonine.
Molecular consequence: missense variant.
Genome position (GRCh38, 1-based): chr22:25,952,350, G>C. VCF-style: chr22-25952350-G-C. GRCh37 (hg19) VCF-style: chr22-26348316-G-C.
Other names: c.5900G>C, p.Ser1967Thr (NM_001318245.2); c.5897G>C (NM_032608.5); short protein forms S1966T, S1967T.
Identifiers: ClinVar variation 2080502 (VCV002080502.4), dbSNP rs749922568, ClinGen allele CA10161326.
Genomic context (GRCh38, chr22:25,952,350, plus strand): 5'-AGGTGGCTCAGATGCGCATCGAGTACCTGGAACAGTCCACCGTGGATCGAGCCATCGTCA[G>C]CAGGCAGGAGGCGGTCATCTGTGACCTAGAGAACAAGACAGAGTTCCAGAAGGTGCAGAT-3'
Protein context (NP_115997.5, residues 1956-1976): EQSTVDRAIV[Ser1966Thr]RQEAVICDLE